The following is an entry in ClinVar:

ClinVar aggregate classification (germline): Likely benign (1 of 4 stars; one submission).

Conditions:
Meier-Gorlin syndrome 5 (MGORS5). Identifiers: Orphanet 2554, MedGen C3151126, MONDO:0013432, OMIM 613805.

Allele frequency attached by ClinVar (database versions not stated): gnomAD exomes 0.00095; 1000 Genomes Project 0.00140; 1000 Genomes Project 30x 0.00141; TOPMed 0.00178; gnomAD 0.00181 and 0.00182.
gnomAD v4.1: 375 of 257,780 alleles (0.15%); highest among the groups gnomAD compares: African/African-American, 0.31%; 1 homozygote.

Submission:

Illumina Laboratory Services, Illumina
Classification: Likely benign for Meier-Gorlin syndrome 5. Last evaluated: 2018-01-13. Review status: criteria provided, single submitter. Criteria: ICSL Variant Classification Criteria 13 December 2019. Collection method: clinical testing. Allele origin: germline.
Comment: This variant was observed in the ICSL laboratory as part of a predisposition screen in an ostensibly healthy population. It had not been previously curated by ICSL or reported in the Human Gene Mutation Database (HGMD: prior to June 1st, 2018), and was therefore a candidate for classification through an automated scoring system. Utilizing variant allele frequency, disease prevalence and penetrance estimates, and inheritance mode, an automated score was calculated to assess if this variant is too frequent to cause the disease. Based on the score and internal cut-off values, a variant classified as likely benign is not then subjected to further curation. The score for this variant resulted in a classification of likely benign for this disease.

NM_001254.4(CDC6):c.*358G>T

Gene: CDC6 (cell division cycle 6; plus strand). Cytogenetic location: 17q21.2.
Variant type: single nucleotide variant.
Coding change: c.*358G>T on transcript NM_001254.4 (MANE Select); 358 bases downstream of the stop codon, G replaced by T.
Molecular consequence: 3 prime UTR variant.
Genome position (GRCh38, 1-based): chr17:40,302,359, G>T. VCF-style: chr17-40302359-G-T. GRCh37 (hg19) VCF-style: chr17-38458611-G-T.
Identifiers: ClinVar variation 323064 (VCV000323064.5), dbSNP rs575274633, ClinGen allele CA10650065.